The following is an entry in ClinVar:

ClinVar aggregate classification (germline): Uncertain significance (1 of 4 stars; one submission).

Conditions:
Hereditary cancer-predisposing syndrome. Also called: Neoplastic Syndromes, Hereditary; Tumor predisposition; Hereditary neoplastic syndrome; Hereditary Cancer Syndrome. Identifiers: Orphanet 140162, MedGen C0027672, MeSH D009386, MONDO:0015356.

gnomAD v4.1: 1 of 1,608,648 alleles (0.000062%); highest among the groups gnomAD compares: African/African-American, 0.0013%; no homozygotes.

Submission:

Ambry Genetics
Classification: Uncertain significance for Hereditary cancer-predisposing syndrome. Last evaluated: 2024-02-22. Review status: criteria provided, single submitter. Criteria: Ambry Variant Classification Scheme 2023. Collection method: clinical testing. Allele origin: germline.
Comment: The p.I620L variant (also known as c.1858A>C), located in coding exon 15 of the MRE11A gene, results from an A to C substitution at nucleotide position 1858. The isoleucine at codon 620 is replaced by leucine, an amino acid with highly similar properties. This amino acid position is conserved. In addition, the in silico prediction for this alteration is inconclusive. Based on the available evidence, the clinical significance of this alteration remains unclear.

NM_005591.4(MRE11):c.1858A>C (p.Ile620Leu)

Gene: MRE11 (MRE11 double strand break repair nuclease; minus strand). Cytogenetic location: 11q21.
Variant type: single nucleotide variant.
Coding change: c.1858A>C on transcript NM_005591.4 (MANE Select); coding-DNA position 1858, A replaced by C.
Protein change: p.Ile620Leu; replaces isoleucine 620 with leucine.
Molecular consequence: missense variant. On other transcripts: intron variant (1).
Genome position (GRCh38, 1-based): chr11:94,445,819, T>G on the plus strand (A>C on the coding strand, the complement: MRE11 is on the minus strand). VCF-style: chr11-94445819-T-G. GRCh37 (hg19) VCF-style: chr11-94178985-T-G.
Other names: c.1855A>C, p.Ile619Leu (NM_001330347.2); c.1783+1400A>C (NM_005590.4); short protein forms I619L, I620L.
Identifiers: ClinVar variation 3224847 (VCV003224847.1), dbSNP rs144070976, ClinGen allele CA382366258.